The following is an entry in ClinVar:

NM_000390.4(CHM):c.1031del (p.Thr344fs)

Gene: CHM (CHM Rab escort protein; minus strand). Cytogenetic location: Xq21.2.
Variant type: Deletion.
Coding change: c.1031del on transcript NM_000390.4 (MANE Select); coding-DNA position 1031, one base deleted (C; older notation c.1031delC).
Protein change: p.Thr344fs; shifts the reading frame from threonine 344.
Molecular consequence: frameshift variant.
Genome position (GRCh38, 1-based): chrX:85,956,288, G deleted on the plus strand (C on the coding strand, the reverse complement: CHM is on the minus strand). VCF-style (leftmost placement, unchanged base first): chrX-85956287-TG-T. GRCh37 (hg19) VCF-style: chrX-85211292-TG-T.
Other names: c.587del, p.Thr196fs (NM_001320959.1, NM_001362517.1, NM_001362518.2 and 1 more transcripts); short protein forms T196fs, T344fs.
Identifiers: ClinVar variation 2741145 (VCV002741145.3), dbSNP rs2520252727, ClinGen allele CA2697553204.

ClinVar aggregate classification (germline): Pathogenic (1 of 4 stars; one submission).

Submission:

Labcorp Genetics (formerly Invitae), Labcorp
Classification: Pathogenic. Last evaluated: 2023-07-10. Review status: criteria provided, single submitter. Criteria: Invitae Variant Classification Sherloc (09022015). Collection method: clinical testing. Allele origin: germline.
Comment: This sequence change creates a premature translational stop signal (p.Thr344Asnfs*9) in the CHM gene. It is expected to result in an absent or disrupted protein product. Loss-of-function variants in CHM are known to be pathogenic (PMID: 9067750, 23811034). This variant has not been reported in the literature in individuals affected with CHM-related conditions. For these reasons, this variant has been classified as Pathogenic. This variant is not present in population databases (gnomAD no frequency).

Literature cited by the submitters: PubMed 9067750; PubMed 23811034.